The following is an entry in ClinVar:

ClinVar aggregate classification (germline): Uncertain significance (1 of 4 stars; one submission).

Conditions:
Inborn genetic diseases. Identifiers: MedGen C0950123, MeSH D030342.

Submission:

Ambry Genetics
Classification: Uncertain significance for Inborn genetic diseases. Last evaluated: 2022-04-01. Review status: criteria provided, single submitter. Criteria: Ambry Variant Classification Scheme 2023. Collection method: clinical testing. Allele origin: germline.
Comment: The p.K1290T variant (also known as c.3869A>C), located in coding exon 21 of the ATR gene, results from an A to C substitution at nucleotide position 3869. The lysine at codon 1290 is replaced by threonine, an amino acid with similar properties. This amino acid position is conserved. In addition, this alteration is predicted to be tolerated by in silico analysis. Since supporting evidence is limited at this time, the clinical significance of this alteration remains unclear.

NM_001184.4(ATR):c.3869A>C (p.Lys1290Thr)

Gene: ATR (ATR checkpoint kinase; minus strand). Cytogenetic location: 3q23.
Variant type: single nucleotide variant.
Coding change: c.3869A>C on transcript NM_001184.4 (MANE Select); coding-DNA position 3869, A replaced by C.
Protein change: p.Lys1290Thr; replaces lysine 1290 with threonine.
Molecular consequence: missense variant.
Genome position (GRCh38, 1-based): chr3:142,535,156, T>G on the plus strand (A>C on the coding strand, the complement: ATR is on the minus strand). VCF-style: chr3-142535156-T-G. GRCh37 (hg19) VCF-style: chr3-142253998-T-G.
Other names: c.3677A>C, p.Lys1226Thr (NM_001354579.2); short protein forms K1226T, K1290T.
Identifiers: ClinVar variation 1735657 (VCV001735657.2), dbSNP rs2108424952, ClinGen allele CA354806232.